The following is an entry in ClinVar:

ClinVar aggregate classification (germline): Uncertain significance (1 of 4 stars; one submission).

Conditions:
Hereditary pancreatitis (PCTT). Also called: Hereditary chronic pancreatitis; PRSS1-Related Hereditary Pancreatitis. Identifiers: Orphanet 676, MedGen C0238339, MONDO:0008185, OMIM 167800.

Submission:

Ambry Genetics
Classification: Uncertain significance for Hereditary pancreatitis. Last evaluated: 2023-11-30. Review status: criteria provided, single submitter. Criteria: Ambry Variant Classification Scheme 2023. Collection method: clinical testing. Allele origin: germline.
Comment: The p.L4M variant (also known as c.10T>A), located in coding exon 1 of the CPA1 gene, results from a T to A substitution at nucleotide position 10. The leucine at codon 4 is replaced by methionine, an amino acid with highly similar properties. This amino acid position is conserved. In addition, this alteration is predicted to be tolerated by in silico analysis. Since supporting evidence is limited at this time, the clinical significance of this alteration remains unclear.

NM_001868.4(CPA1):c.10T>A (p.Leu4Met)

Gene: CPA1 (carboxypeptidase A1; plus strand). Cytogenetic location: 7q32.2.
Variant type: single nucleotide variant.
Coding change: c.10T>A on transcript NM_001868.4 (MANE Select); coding-DNA position 10, T replaced by A.
Protein change: p.Leu4Met; replaces leucine 4 with methionine.
Molecular consequence: missense variant.
Genome position (GRCh38, 1-based): chr7:130,380,530, T>A. VCF-style: chr7-130380530-T-A. GRCh37 (hg19) VCF-style: chr7-130020371-T-A.
Other names: short protein forms L4M.
Identifiers: ClinVar variation 3221797 (VCV003221797.1), dbSNP rs1584849867, ClinGen allele CA369278838.